The following is an entry in ClinVar:

NM_001035.3(RYR2):c.10364A>G (p.Lys3455Arg)

Gene: RYR2 (ryanodine receptor 2; plus strand). Cytogenetic location: 1q43.
Variant type: single nucleotide variant.
Coding change: c.10364A>G on transcript NM_001035.3 (MANE Select); coding-DNA position 10364, A replaced by G.
Protein change: p.Lys3455Arg; replaces lysine 3455 with arginine.
Molecular consequence: missense variant.
Genome position (GRCh38, 1-based): chr1:237,717,238, A>G. VCF-style: chr1-237717238-A-G. GRCh37 (hg19) VCF-style: chr1-237880538-A-G.
Other names: c.10364A>G (NM_001035.2); short protein forms K3455R.
Identifiers: ClinVar variation 919930 (VCV000919930.10), dbSNP rs1573649552, ClinGen allele CA345414292.

ClinVar aggregate classification (germline): Uncertain significance. Review status: criteria provided, multiple submitters, no conflicts (2 of 4 stars). 4 submissions from 4 submitters: Uncertain significance (4). Last evaluated 2026-03-28.

Conditions:
Cardiovascular phenotype. Identifiers: MedGen CN230736.
Catecholaminergic polymorphic ventricular tachycardia (CVPT). Also called: Catecholamine-induced polymorphic ventricular tachycardia. Identifiers: Orphanet 3286, MedGen C5574922, MONDO:0017990.
Cardiomyopathy (CMYO). Also called: Cardiomyopathies. Identifiers: Orphanet 167848, MedGen C0878544, MONDO:0004994, HP:0001638. Inheritance: Various modes of inheritance.
Catecholaminergic polymorphic ventricular tachycardia 1. Also called: VENTRICULAR TACHYCARDIA, STRESS-INDUCED POLYMORPHIC 1; VENTRICULAR TACHYCARDIA, CATECHOLAMINERGIC POLYMORPHIC, 1, WITH OR WITHOUT ATRIAL DYSFUNCTION AND/OR DILATED CARDIOMYOPATHY; RYR2-Related Catecholaminergic Polymorphic Ventricular Tachycardia. Identifiers: Orphanet 3286, MedGen C1631597, MONDO:0011484, OMIM 604772.

Allele frequency attached by ClinVar (database versions not stated): TOPMed below 0.00001; gnomAD exomes below 0.00001.
gnomAD v4.1: 2 of 1,613,784 alleles (0.00012%); highest among the groups gnomAD compares: East Asian, 0.0022%; no homozygotes.

Submissions (4):

Ambry Genetics
Classification: Uncertain significance for Cardiovascular phenotype. Last evaluated: 2026-03-28. Review status: criteria provided, single submitter. Criteria: Ambry Variant Classification Scheme 2023. Collection method: clinical testing. Allele origin: germline.
Comment: The p.K3455R variant (also known as c.10364A>G), located in coding exon 72 of the RYR2 gene, results from an A to G substitution at nucleotide position 10364. The lysine at codon 3455 is replaced by arginine, an amino acid with highly similar properties. This amino acid position is conserved. In addition, the in silico prediction for this alteration is inconclusive. Based on the available evidence, the clinical significance of this variant remains unclear.

Labcorp Genetics (formerly Invitae), Labcorp
Classification: Uncertain significance for Catecholaminergic polymorphic ventricular tachycardia 1. Last evaluated: 2025-06-04. Review status: criteria provided, single submitter. Criteria: Invitae Variant Classification Sherloc (09022015). Collection method: clinical testing. Allele origin: germline.
Comment: This sequence change replaces lysine, which is basic and polar, with arginine, which is basic and polar, at codon 3455 of the RYR2 protein (p.Lys3455Arg). This variant is not present in population databases (gnomAD no frequency). This variant has not been reported in the literature in individuals affected with RYR2-related conditions. ClinVar contains an entry for this variant (Variation ID: 919930). Invitae Evidence Modeling of protein sequence and biophysical properties (such as structural, functional, and spatial information, amino acid conservation, physicochemical variation, residue mobility, and thermodynamic stability) indicates that this missense variant is not expected to disrupt RYR2 protein function with a negative predictive value of 95%. In summary, the available evidence is currently insufficient to determine the role of this variant in disease. Therefore, it has been classified as a Variant of Uncertain Significance.

Color Diagnostics, LLC DBA Color Health
Classification: Uncertain significance for Cardiomyopathy. Last evaluated: 2024-03-06. Review status: criteria provided, single submitter. Criteria: ACMG Guidelines, 2015. Collection method: clinical testing. Allele origin: germline.
Comment: This variant is located in the RYR2 protein. Computational prediction suggests that this variant may not impact protein structure and function (internally defined REVEL score threshold <= 0.5, PMID: 27666373). To our knowledge, functional studies have not been reported for this variant. This variant has not been reported in individuals affected with cardiovascular disorders in the literature. This variant has not been identified in the general population by the Genome Aggregation Database (gnomAD). The available evidence is insufficient to determine the role of this variant in disease conclusively. Therefore, this variant is classified as a Variant of Uncertain Significance.

All of Us Research Program, National Institutes of Health
Classification: Uncertain significance for Catecholaminergic polymorphic ventricular tachycardia. Last evaluated: 2023-10-30. Review status: criteria provided, single submitter. Criteria: ACMG Guidelines, 2015. Collection method: clinical testing. Allele origin: germline. Inheritance: Autosomal dominant inheritance. Observed: 1 variant allele, 1 heterozygote.
Comment: This variant is located in the RYR2 protein. Computational prediction suggests that this variant may not impact protein structure and function (internally defined REVEL score threshold <= 0.5, PMID: 27666373). To our knowledge, functional studies have not been reported for this variant. This variant has not been reported in individuals affected with cardiovascular disorders in the literature. This variant has not been identified in the general population by the Genome Aggregation Database (gnomAD). The available evidence is insufficient to determine the role of this variant in disease conclusively. Therefore, this variant is classified as a Variant of Uncertain Significance.

This study involves interpretation of variants in research participants for the purpose of population health screening. Participant phenotype was not available at the time of variant classification. Additional details can be found in publication PMID: 35346344, PMCID: PMC8962531